The following is an entry in ClinVar:

NM_001282225.2(ADA2):c.1252G>T (p.Val418Leu)

Gene: ADA2 (adenosine deaminase 2; minus strand). Cytogenetic location: 22q11.1.
Variant type: single nucleotide variant.
Coding change: c.1252G>T on transcript NM_001282225.2 (MANE Select); coding-DNA position 1252, G replaced by T.
Protein change: p.Val418Leu; replaces valine 418 with leucine.
Molecular consequence: missense variant.
Genome position (GRCh38, 1-based): chr22:17,182,010, C>A on the plus strand (G>T on the coding strand, the complement: ADA2 is on the minus strand). VCF-style: chr22-17182010-C-A. GRCh37 (hg19) VCF-style: chr22-17662900-C-A.
Other names: c.1252G>T, p.Val418Leu (NM_001282226.2); c.1126G>T, p.Val376Leu (NM_001282227.2, NM_001282228.2); c.892G>T, p.Val298Leu (NM_001282229.2); c.529G>T, p.Val177Leu (NM_177405.3); short protein forms V376L, V177L, V298L, V418L.
Identifiers: ClinVar variation 2194694 (VCV002194694.5), dbSNP rs142726959, ClinGen allele CA10087907.
Genomic context (GRCh38, chr22:17,182,010, plus strand): 5'-TCACCATGGGGTGCCCAGTGGCCATCAGAGTGGCTACAGGGTGGTTCCTCAAGTCAGACA[C>A]CAGTTTCAGCACCTGCGCAATAGGAGGGAAGGGAGAAAGATGAACTCTGATCCCTAAAAA-3'
Protein context (NP_001269154.1, residues 408-428): CPISNQVLKL[Val418Leu]SDLRNHPVAT

ClinVar aggregate classification (germline): Uncertain significance. Review status: criteria provided, multiple submitters, no conflicts (2 of 4 stars). 2 submissions from 2 submitters: Uncertain significance (2). Last evaluated 2025-10-31.

Conditions:
Deficiency of adenosine deaminase 2. Also called: Polyarteritis nodosa, childhoood-onset; VASCULITIS, AUTOINFLAMMATION, IMMUNODEFICIENCY, AND HEMATOLOGIC DEFECTS SYNDROME; Adenosine Deaminase 2 Deficiency. Identifiers: Orphanet 404553, MedGen C3887654, MONDO:0014306, OMIM 615688, MONDO:0100317.

Allele frequency attached by ClinVar (database versions not stated): ExAC 0.00004; gnomAD 0.00005; TOPMed 0.00007; ESP Exome Variant Server 0.00015.
gnomAD v4.1: 120 of 1,613,444 alleles (0.0074%); highest among the groups gnomAD compares: Non-Finnish European, 0.0099%; no homozygotes.

Submissions (2):

Labcorp Genetics (formerly Invitae), Labcorp
Classification: Uncertain significance for Deficiency of adenosine deaminase 2. Last evaluated: 2025-10-31. Review status: criteria provided, single submitter. Criteria: Invitae Variant Classification Sherloc (09022015). Collection method: clinical testing. Allele origin: germline.
Comment: This sequence change replaces valine, which is neutral and non-polar, with leucine, which is neutral and non-polar, at codon 418 of the ADA2 protein (p.Val418Leu). This variant is present in population databases (rs142726959, gnomAD 0.007%). This missense change has been observed in individual(s) with pediatric vasculitis-related condition(s) (PMID: 31008556). ClinVar contains an entry for this variant (Variation ID: 2194694). Invitae Evidence Modeling of protein sequence and biophysical properties (such as structural, functional, and spatial information, amino acid conservation, physicochemical variation, residue mobility, and thermodynamic stability) has been performed for this missense variant. However, the output from this modeling did not meet the statistical confidence thresholds required to predict the impact of this variant on ADA2 protein function. In summary, the available evidence is currently insufficient to determine the role of this variant in disease. Therefore, it has been classified as a Variant of Uncertain Significance.

Blueprint Genetics
Classification: Uncertain significance. Last evaluated: 2024-10-11. Review status: criteria provided, single submitter. Criteria: ACMG Guidelines, 2015. Collection method: clinical testing. Allele origin: germline.

Literature cited by the submitters: PubMed 31008556 (cited by Labcorp Genetics (formerly Invitae), Labcorp).